The following is an entry in ClinVar:

NM_001184.4(ATR):c.637C>G (p.Leu213Val)

Gene: ATR (ATR checkpoint kinase; minus strand). Cytogenetic location: 3q23.
Variant type: single nucleotide variant.
Coding change: c.637C>G on transcript NM_001184.4 (MANE Select); coding-DNA position 637, C replaced by G.
Protein change: p.Leu213Val; replaces leucine 213 with valine.
Molecular consequence: missense variant.
Genome position (GRCh38, 1-based): chr3:142,562,765, G>C on the plus strand (C>G on the coding strand, the complement: ATR is on the minus strand). VCF-style: chr3-142562765-G-C. GRCh37 (hg19) VCF-style: chr3-142281607-G-C.
Other names: c.637C>G, p.Leu213Val (NM_001354579.2); short protein forms L213V.
Identifiers: ClinVar variation 1695616 (VCV001695616.5), dbSNP rs1333914311, ClinGen allele CA354826175.

ClinVar aggregate classification (germline): Uncertain significance. Review status: criteria provided, multiple submitters, no conflicts (2 of 4 stars). 2 submissions from 2 submitters: Uncertain significance (2). Last evaluated 2024-09-05.

Allele frequency attached by ClinVar (database versions not stated): TOPMed below 0.00001; gnomAD 0.00001; gnomAD exomes 0.00001.
gnomAD v4.1: 12 of 1,611,276 alleles (0.00074%); highest among the groups gnomAD compares: South Asian, 0.011%; no homozygotes.

Submissions (2):

Labcorp Genetics (formerly Invitae), Labcorp
Classification: Uncertain significance. Last evaluated: 2024-09-05. Review status: criteria provided, single submitter. Criteria: Invitae Variant Classification Sherloc (09022015). Collection method: clinical testing. Allele origin: germline.
Comment: This sequence change replaces leucine, which is neutral and non-polar, with valine, which is neutral and non-polar, at codon 213 of the ATR protein (p.Leu213Val). This variant is present in population databases (no rsID available, gnomAD 0.006%). This variant has not been reported in the literature in individuals affected with ATR-related conditions. ClinVar contains an entry for this variant (Variation ID: 1695616). An algorithm developed to predict the effect of missense changes on protein structure and function (PolyPhen-2) suggests that this variant is likely to be tolerated. In summary, the available evidence is currently insufficient to determine the role of this variant in disease. Therefore, it has been classified as a Variant of Uncertain Significance.

GeneDx
Classification: Uncertain significance. Last evaluated: 2022-01-07. Review status: criteria provided, single submitter. Criteria: GeneDx Variant Classification Process June 2021. Collection method: clinical testing. Allele origin: germline. Affected: yes.
Comment: Not observed at significant frequency in large population cohorts (gnomAD); In silico analysis supports that this missense variant does not alter protein structure/function; Has not been previously published as pathogenic or benign to our knowledge